The following is an entry in ClinVar:

NM_053274.3(GLMN):c.765C>T (p.Phe255=)

Gene: GLMN (glomulin, FKBP associated protein; minus strand). Cytogenetic location: 1p22.1.
Variant type: single nucleotide variant.
Coding change: c.765C>T on transcript NM_053274.3 (MANE Select); coding-DNA position 765, C replaced by T.
Protein change: p.Phe255=; no amino-acid change (phenylalanine 255 retained).
Molecular consequence: synonymous variant. On other transcripts: non-coding transcript variant (1).
Genome position (GRCh38, 1-based): chr1:92,271,623, G>A on the plus strand (C>T on the coding strand, the complement: GLMN is on the minus strand). VCF-style: chr1-92271623-G-A. GRCh37 (hg19) VCF-style: chr1-92737180-G-A.
Other names: c.765C>T, p.Phe255= (NM_001319683.2).
Identifiers: ClinVar variation 298139 (VCV000298139.5), dbSNP rs149618929, ClinGen allele CA950488.

ClinVar aggregate classification (germline): Benign (1 of 4 stars; one submission).

Conditions:
Glomuvenous malformation. Also called: GLOMANGIOMAS, MULTIPLE; GLOMUS TUMORS, MULTIPLE; VENOUS MALFORMATIONS WITH GLOMUS CELLS; Familial glomangioma. Identifiers: Orphanet 83454, MedGen C1841984, MONDO:0007672, OMIM 138000.

Allele frequency attached by ClinVar (database versions not stated): gnomAD exomes 0.00013 and 0.00028; ESP Exome Variant Server 0.00015; TOPMed 0.00018; gnomAD 0.00019 and 0.00021; ExAC 0.00024.
gnomAD v4.1: 245 of 1,612,442 alleles (0.015%); highest among the groups gnomAD compares: Middle Eastern, 0.16%; 1 homozygote.

Submission:

Illumina Laboratory Services, Illumina
Classification: Benign for Glomuvenous malformation. Last evaluated: 2018-01-12. Review status: criteria provided, single submitter. Criteria: ICSL Variant Classification Criteria 13 December 2019. Collection method: clinical testing. Allele origin: germline.
Comment: This variant was observed in the ICSL laboratory as part of a predisposition screen in an ostensibly healthy population. It had not been previously curated by ICSL or reported in the Human Gene Mutation Database (HGMD: prior to June 1st, 2018), and was therefore a candidate for classification through an automated scoring system. Utilizing variant allele frequency, disease prevalence and penetrance estimates, and inheritance mode, an automated score was calculated to assess if this variant is too frequent to cause the disease. Based on the score and internal cut-off values, a variant classified as benign is not then subjected to further curation. The score for this variant resulted in a classification of benign for this disease.